The following is an entry in ClinVar:

ClinVar aggregate classification (germline): Uncertain significance (1 of 4 stars; one submission).

Conditions:
Holoprosencephaly 9 (HPE9). Also called: PITUITARY ANOMALIES WITH HOLOPROSENCEPHALY-LIKE FEATURES; HOLOPROSENCEPHALY WITH MICROPHTHALMIA AND FIRST BRANCHIAL ARCH ANOMALIES. Identifiers: Orphanet 2162, MedGen C1835819, MONDO:0012563, OMIM 610829.
Postaxial polydactyly-anterior pituitary anomalies-facial dysmorphism syndrome. Also called: Culler-Jones syndrome. Identifiers: Orphanet 420584, MedGen C4014479, MONDO:0014369, OMIM 615849.

gnomAD v4.1: 99 of 1,614,006 alleles (0.0061%); highest among the groups gnomAD compares: Middle Eastern, 0.05%; no homozygotes.

Submissions (2):

Labcorp Genetics (formerly Invitae), Labcorp
Classification: Uncertain significance for Postaxial polydactyly-anterior pituitary anomalies-facial dysmorphism syndrome; Holoprosencephaly 9. Last evaluated: 2025-01-14. Review status: criteria provided, single submitter. Criteria: Invitae Variant Classification Sherloc (09022015). Collection method: clinical testing. Allele origin: germline.
Comment: This sequence change affects codon 28 of the GLI2 mRNA. It is a 'silent' change, meaning that it does not change the encoded amino acid sequence of the GLI2 protein. This variant is present in population databases (rs377702863, gnomAD 0.02%). This variant has not been reported in the literature in individuals affected with GLI2-related conditions. Algorithms developed to predict the effect of sequence changes on RNA splicing suggest that this variant may disrupt the consensus splice site. In summary, the available evidence is currently insufficient to determine the role of this variant in disease. Therefore, it has been classified as a Variant of Uncertain Significance.

Dr. Peter K. Rogan Lab, Western University
No classification provided (evidence only). Condition: Mesothelioma. Review status: no classification provided. Collection method: in vitro. Allele origin: not applicable. Functional consequence: retained intron. Not counted in ClinVar's aggregate classification.

NM_001374353.1(GLI2):c.84G>A (p.Pro28=)

Gene: GLI2 (GLI family zinc finger 2; plus strand). Cytogenetic location: 2q14.2.
Variant type: single nucleotide variant.
Coding change: c.84G>A on transcript NM_001374353.1 (MANE Select); coding-DNA position 84, G replaced by A.
Protein change: p.Pro28=; no amino-acid change (proline 28 retained).
Molecular consequence: synonymous variant. On other transcripts: 5 prime UTR variant (1).
Genome position (GRCh38, 1-based): chr2:120,797,404, G>A. VCF-style: chr2-120797404-G-A. GRCh37 (hg19) VCF-style: chr2-121554980-G-A.
Other names: c.84G>A, p.Pro28= (NM_001371271.1, NM_005270.5); c.-186G>A (NM_001374354.1).
Identifiers: ClinVar variation 3758516 (VCV003758516.3).